The following is an entry in ClinVar:

ClinVar aggregate classification (germline): Benign (1 of 4 stars; one submission).

Conditions:
Familial adenomatous polyposis 1 (FAP1). Also called: FAMILIAL ADENOMATOUS POLYPOSIS 1, ATTENUATED; POLYPOSIS, ADENOMATOUS INTESTINAL. Identifiers: MedGen C2713442, MONDO:0021056, OMIM 175100. Disease mechanism: loss of function.

Submission:

Myriad Genetics, Inc.
Classification: Benign for Familial adenomatous polyposis 1. Last evaluated: 2024-04-09. Review status: criteria provided, single submitter. Criteria: Myriad Autosomal Dominant, Autosomal Recessive and X-Linked Classification Criteria (2023). Collection method: clinical testing. Allele origin: unknown.
Comment: This variant is considered benign. This variant is a silent/synonymous amino acid change and it is not expected to impact splicing.

NM_000038.6(APC):c.7477C>T (p.Leu2493=)

Gene: APC (APC regulator of Wnt signaling pathway; plus strand). Cytogenetic location: 5q22.2.
Variant type: single nucleotide variant.
Coding change: c.7477C>T on transcript NM_000038.6 (MANE Select); coding-DNA position 7477, C replaced by T.
Protein change: p.Leu2493=; no amino-acid change (leucine 2493 retained).
Molecular consequence: synonymous variant. On other transcripts: non-coding transcript variant (2).
Genome position (GRCh38, 1-based): chr5:112,843,071, C>T. VCF-style: chr5-112843071-C-T. GRCh37 (hg19) VCF-style: chr5-112178768-C-T.
Other names: c.7477C>T, p.Leu2493= (NM_001127510.3, NM_001354895.2, NM_001407450.1); c.7423C>T, p.Leu2475= (NM_001127511.3); c.7531C>T, p.Leu2511= (NM_001354896.2, NM_001407447.1, NM_001407448.1 and 1 more transcripts); c.7507C>T, p.Leu2503= (NM_001354897.2); c.7402C>T, p.Leu2468= (NM_001354898.2); c.7393C>T, p.Leu2465= (NM_001354899.2); c.7354C>T, p.Leu2452= (NM_001354900.2); c.7300C>T, p.Leu2434= (NM_001354901.2, NM_001407453.1); and 11 more.
Identifiers: ClinVar variation 3254474 (VCV003254474.1), dbSNP rs2149987883.